The following is an entry in ClinVar:

ClinVar aggregate classification (germline): Uncertain significance (1 of 4 stars; one submission).

Conditions:
Epileptic encephalopathy. Identifiers: MedGen C0543888, HP:0200134.

Allele frequency attached by ClinVar (database versions not stated): gnomAD exomes 0.00011 and 0.00012; TOPMed 0.00011; ExAC 0.00012; gnomAD 0.00012 and 0.00013; ESP Exome Variant Server 0.00015.
gnomAD v4.1: 198 of 1,612,866 alleles (0.012%); highest among the groups gnomAD compares: Middle Eastern, 0.016%; 1 homozygote.

Submission:

Labcorp Genetics (formerly Invitae), Labcorp
Classification: Uncertain significance for Epileptic encephalopathy. Last evaluated: 2025-06-17. Review status: criteria provided, single submitter. Criteria: Invitae Variant Classification Sherloc (09022015). Collection method: clinical testing. Allele origin: germline.
Comment: This sequence change replaces alanine, which is neutral and non-polar, with threonine, which is neutral and polar, at codon 1890 of the FASN protein (p.Ala1890Thr). This variant is present in population databases (rs139792253, gnomAD 0.02%). This variant has not been reported in the literature in individuals affected with FASN-related conditions. ClinVar contains an entry for this variant (Variation ID: 568065). An algorithm developed to predict the effect of missense changes on protein structure and function outputs the following: PolyPhen-2: "Benign". The threonine amino acid residue is found in multiple mammalian species, which suggests that this missense change does not adversely affect protein function. In summary, the available evidence is currently insufficient to determine the role of this variant in disease. Therefore, it has been classified as a Variant of Uncertain Significance.

NM_004104.5(FASN):c.5668G>A (p.Ala1890Thr)

Gene: FASN (fatty acid synthase; minus strand). Cytogenetic location: 17q25.3.
Variant type: single nucleotide variant.
Coding change: c.5668G>A on transcript NM_004104.5 (MANE Select); coding-DNA position 5668, G replaced by A.
Protein change: p.Ala1890Thr; replaces alanine 1890 with threonine.
Molecular consequence: missense variant.
Genome position (GRCh38, 1-based): chr17:82,083,013, C>T on the plus strand (G>A on the coding strand, the complement: FASN is on the minus strand). VCF-style: chr17-82083013-C-T. GRCh37 (hg19) VCF-style: chr17-80040889-C-T.
Other names: short protein forms A1890T.
Identifiers: ClinVar variation 568065 (VCV000568065.10), dbSNP rs139792253, ClinGen allele CA8851597.